The following is an entry in ClinVar:

NM_144670.6(A2ML1):c.481C>G (p.Gln161Glu)

Gene: A2ML1 (alpha-2-macroglobulin like 1; plus strand). Cytogenetic location: 12p13.31.
Variant type: single nucleotide variant.
Coding change: c.481C>G on transcript NM_144670.6 (MANE Select); coding-DNA position 481, C replaced by G.
Protein change: p.Gln161Glu; replaces glutamine 161 with glutamic acid.
Molecular consequence: missense variant.
Genome position (GRCh38, 1-based): chr12:8,834,680, C>G. VCF-style: chr12-8834680-C-G. GRCh37 (hg19) VCF-style: chr12-8987276-C-G.
Other names: short protein forms Q161E.
Identifiers: ClinVar variation 1042912 (VCV001042912.8), dbSNP rs1412258468, ClinGen allele CA383820703.

ClinVar aggregate classification (germline): Uncertain significance (1 of 4 stars; one submission).

Submission:

Labcorp Genetics (formerly Invitae), Labcorp
Classification: Uncertain significance. Last evaluated: 2024-10-17. Review status: criteria provided, single submitter. Criteria: Invitae Variant Classification Sherloc (09022015). Collection method: clinical testing. Allele origin: germline.
Comment: This sequence change replaces glutamine, which is neutral and polar, with glutamic acid, which is acidic and polar, at codon 161 of the A2ML1 protein (p.Gln161Glu). This variant is not present in population databases (gnomAD no frequency). This variant has not been reported in the literature in individuals affected with A2ML1-related conditions. ClinVar contains an entry for this variant (Variation ID: 1042912). An algorithm developed to predict the effect of missense changes on protein structure and function (PolyPhen-2) suggests that this variant is likely to be tolerated. In summary, the available evidence is currently insufficient to determine the role of this variant in disease. Therefore, it has been classified as a Variant of Uncertain Significance.